The following is an entry in ClinVar:

NM_001367624.2(ZNF469):c.623C>T (p.Pro208Leu)

Gene: ZNF469 (zinc finger protein 469; plus strand). Cytogenetic location: 16q24.2.
Variant type: single nucleotide variant.
Coding change: c.623C>T on transcript NM_001367624.2 (MANE Select); coding-DNA position 623, C replaced by T.
Protein change: p.Pro208Leu; replaces proline 208 with leucine.
Molecular consequence: missense variant.
Genome position (GRCh38, 1-based): chr16:88,428,093, C>T. VCF-style: chr16-88428093-C-T. GRCh37 (hg19) VCF-style: chr16-88494501-C-T.
Other names: NM_001127464.1:c.623C>T; NM_001127464.2:c.623C>T; short protein forms P208L.
Identifiers: ClinVar variation 1540946 (VCV001540946.11), dbSNP rs549255859, ClinGen allele CA8224602.

ClinVar aggregate classification (germline): Conflicting classifications of pathogenicity. Review status: criteria provided, conflicting classifications (1 of 4 stars). 4 submissions from 4 submitters: Uncertain significance (1); Benign (1); Likely benign (2). Last evaluated 2026-04-22.

Conditions:
Cardiovascular phenotype. Identifiers: MedGen CN230736.
ZNF469-related disorder. Also called: ZNF469-related condition.

Allele frequency attached by ClinVar (database versions not stated): gnomAD 0.00011 and 0.00007; TOPMed 0.00009; gnomAD exomes 0.00021 and 0.00004; 1000 Genomes Project 30x 0.00062; 1000 Genomes Project 0.00080.
gnomAD v4.1: 79 of 1,549,942 alleles (0.0051%); highest among the groups gnomAD compares: East Asian, 0.1%; no homozygotes.

Submissions (4):

GeneDx
Classification: Uncertain significance. Last evaluated: 2026-04-22. Review status: criteria provided, single submitter. Criteria: GeneDx Variant Classification Process June 2021. Collection method: clinical testing. Allele origin: germline.
Comment: In silico analysis suggests that this missense variant does not alter protein structure/function; Has not been previously published as pathogenic or benign to our knowledge

PreventionGenetics, part of Exact Sciences
Classification: Likely benign for ZNF469-related condition. Last evaluated: 2026-03-09. Review status: criteria provided, single submitter. Criteria: ACMG Guidelines, 2015. Collection method: clinical testing. Allele origin: germline.
Comment: This variant is classified as likely benign based on ACMG/AMP sequence variant interpretation guidelines (Richards et al. 2015 PMID: 25741868, with internal and published modifications).

Labcorp Genetics (formerly Invitae), Labcorp
Classification: Likely benign. Last evaluated: 2026-01-18. Review status: criteria provided, single submitter. Criteria: Invitae Variant Classification Sherloc (09022015). Collection method: clinical testing. Allele origin: germline.

Ambry Genetics
Classification: Benign for Cardiovascular phenotype. Last evaluated: 2023-09-22. Review status: criteria provided, single submitter. Criteria: Ambry Variant Classification Scheme 2023. Collection method: clinical testing. Allele origin: germline.